The following is an entry in ClinVar:

ClinVar aggregate classification (germline): Pathogenic/Likely pathogenic. Review status: criteria provided, multiple submitters, no conflicts (2 of 4 stars). 3 submissions from 3 submitters: Pathogenic (1); Likely pathogenic (1). 1 of the submissions does not count toward it. Last evaluated 2024-03-18.

Conditions:
Cerebrooculofacioskeletal syndrome 3 (COFS3). Identifiers: MedGen C1851443, MONDO:0014696, OMIM 616570.
Xeroderma pigmentosum, group G (XPG). Also called: XERODERMA PIGMENTOSUM VII; XP, GROUP G; Xeroderma pigmentosum type 7; ERCC5-Related Xeroderma Pigmentosum. Identifiers: MedGen C0268141, MONDO:0010216, OMIM 278780.

Submissions (3):

Fulgent Genetics
Classification: Likely pathogenic for Xeroderma pigmentosum, group G; Cerebrooculofacioskeletal syndrome 3. Last evaluated: 2024-03-18. Review status: criteria provided, single submitter. Criteria: ACMG Guidelines, 2015. Collection method: clinical testing. Allele origin: germline.

GeneDx
Classification: Pathogenic. Last evaluated: 2022-09-02. Review status: criteria provided, single submitter. Criteria: GeneDx Variant Classification Process June 2021. Collection method: clinical testing. Allele origin: germline.
Comment: Frameshift variant predicted to result in protein truncation or nonsense mediated decay in a gene for which loss-of-function is a known mechanism of disease; Not observed at significant frequency in large population cohorts (gnomAD); This variant is associated with the following publications: (PMID: 11841555)

OMIM
Classification: Pathogenic for XERODERMA PIGMENTOSUM, COMPLEMENTATION GROUP G. Last evaluated: 2002-02-01. Review status: no assertion criteria provided. Collection method: literature only. Allele origin: germline. Not counted in ClinVar's aggregate classification.

Literature cited by the submitters: PubMed 698095 (cited by OMIM); PubMed 492197 (cited by OMIM); PubMed 11841555 (cited by OMIM).

NM_000123.4(ERCC5):c.1115_1118del (p.Arg372fs)

Genes: BIVM-ERCC5 (BIVM-ERCC5 readthrough; plus strand), ERCC5 (ERCC excision repair 5, endonuclease; plus strand). Cytogenetic location: 13q33.1.
Variant type: Deletion.
Coding change: c.1115_1118del on transcript NM_000123.4 (MANE Select); coding-DNA positions 1115 to 1118, 4 bases deleted (GGAA; older notation c.1115_1118delGGAA).
Protein change: p.Arg372fs; shifts the reading frame from arginine 372.
Molecular consequence: frameshift variant.
Genome position (GRCh38, 1-based): chr13:102,862,264-102,862,267, GGAA deleted; deleting any 4 consecutive bases within chr13:102,862,263-102,862,267 gives the same sequence; the c. name uses the placement nearest the transcript's 3' end. VCF-style (leftmost placement, unchanged base first): chr13-102862262-GAGGA-G. GRCh37 (hg19) VCF-style: chr13-103514612-GAGGA-G.
Other names: c.2477_2480del, p.Arg826fs (NM_001204425.2); c.1115_1118delGGAA, p.Arg372Thrfs (NM_000123.3); short protein forms R372fs, R826fs.
Identifiers: ClinVar variation 16574 (VCV000016574.6), dbSNP rs786200919, ClinGen allele CA257534.